The following is an entry in ClinVar:

ClinVar aggregate classification (germline): Uncertain significance. Review status: criteria provided, multiple submitters, no conflicts (2 of 4 stars). 2 submissions from 2 submitters: Uncertain significance (2). Last evaluated 2025-09-24.

Conditions:
Hereditary breast ovarian cancer syndrome. Also called: Hereditary breast and/or ovarian cancer syndrome; BRCA1- and BRCA2-Associated Hereditary Breast and Ovarian Cancer; Hereditary breast and ovarian cancer syndrome; Hereditary breast and ovarian cancer; Hereditary breast and ovarian cancer syndrome (HBOC); Breast and ovarian cancer. Identifiers: Orphanet 145, MedGen C0677776, MeSH D061325, MONDO:0003582. Disease mechanism: loss of function.
Hereditary cancer-predisposing syndrome. Also called: Tumor predisposition; Hereditary Cancer Syndrome; Hereditary neoplastic syndrome; Neoplastic Syndromes, Hereditary. Identifiers: Orphanet 140162, MedGen C0027672, MeSH D009386, MONDO:0015356.

Submissions (3):

Ambry Genetics
Classification: Uncertain significance for Hereditary cancer-predisposing syndrome. Last evaluated: 2025-09-24. Review status: criteria provided, single submitter. Criteria: Ambry Variant Classification Scheme 2023. Collection method: clinical testing. Allele origin: germline.
Comment: The p.E1735Q variant (also known as c.5203G>C), located in coding exon 18 of the BRCA1 gene, results from a G to C substitution at nucleotide position 5203. The glutamic acid at codon 1735 is replaced by glutamine, an amino acid with highly similar properties. One functional study found that this nucleotide substitution is functional in a high throughput genome editing haploid cell survival assay (Findlay GM et al. Nature, 2018 Oct;562:217-222). This amino acid position is highly conserved in available vertebrate species. In addition, this alteration is predicted to be deleterious by in silico analysis.

Labcorp Genetics (formerly Invitae), Labcorp
Classification: Uncertain significance for Hereditary breast ovarian cancer syndrome. Last evaluated: 2025-05-30. Review status: criteria provided, single submitter. Criteria: Invitae Variant Classification Sherloc (09022015). Collection method: clinical testing. Allele origin: germline.
Comment: This sequence change replaces glutamic acid, which is acidic and polar, with glutamine, which is neutral and polar, at codon 1735 of the BRCA1 protein (p.Glu1735Gln). This variant is not present in population databases (gnomAD no frequency). This variant has not been reported in the literature in individuals affected with BRCA1-related conditions. ClinVar contains an entry for this variant (Variation ID: 865156). Invitae Evidence Modeling incorporating data from in vitro experimental studies (PMID: 30209399) indicates that this missense variant is not expected to disrupt BRCA1 function with a negative predictive value of 95%. In summary, the available evidence is currently insufficient to determine the role of this variant in disease. Therefore, it has been classified as a Variant of Uncertain Significance.

Brotman Baty Institute, University of Washington
No classification provided (evidence only). Condition: Breast-ovarian cancer, familial 1. Review status: no classification provided. Collection method: in vitro. Allele origin: not applicable. Functional consequence: functionally_normal. Not counted in ClinVar's aggregate classification.
ClinVar note: "not provided" was previously submitted as the classification for the variant. However, the classification appeared to be based only on an observation of functional data so it was converted to no classification on 2025-07-30.

Literature cited by the submitters: PubMed 30209399 (cited by Ambry Genetics and Labcorp Genetics (formerly Invitae), Labcorp).

NM_007294.4(BRCA1):c.5203G>C (p.Glu1735Gln)

Gene: BRCA1 (BRCA1 DNA repair associated; minus strand). Cytogenetic location: 17q21.31.
Variant type: single nucleotide variant.
Coding change: c.5203G>C on transcript NM_007294.4 (MANE Select); coding-DNA position 5203, G replaced by C.
Protein change: p.Glu1735Gln; replaces glutamic acid 1735 with glutamine.
Molecular consequence: missense variant. On other transcripts: non-coding transcript variant (1).
Genome position (GRCh38, 1-based): chr17:43,057,126, C>G on the plus strand (G>C on the coding strand, the complement: BRCA1 is on the minus strand). VCF-style: chr17-43057126-C-G. GRCh37 (hg19) VCF-style: chr17-41209143-C-G.
Other names: c.5056G>C, p.Glu1686Gln (NM_001407843.1, NM_001407844.1, NM_001407845.1 and 12 more transcripts); c.5197G>C, p.Glu1733Gln (NM_001407861.1, NM_001407629.1, NM_001407630.1 and 14 more transcripts); c.5002G>C, p.Glu1668Gln (NM_001407862.1); c.4999G>C, p.Glu1667Gln (NM_001407863.1); c.4996G>C, p.Glu1666Gln (NM_001407874.1, NM_001407875.1); c.4993G>C, p.Glu1665Gln (NM_001407879.1, NM_001407881.1, NM_001407882.1 and 5 more transcripts); c.4990G>C, p.Glu1664Gln (NM_001407900.1, NM_001407902.1, NM_001407904.1 and 12 more transcripts); c.4987G>C, p.Glu1663Gln (NM_001407915.1, NM_001407916.1, NM_001407917.1 and 1 more transcripts); and 72 more; short protein forms E1688Q, E631Q, E1735Q, E1756Q, E1566Q, E1623Q, E1686Q, E1687Q.
Identifiers: ClinVar variation 865156 (VCV000865156.6), dbSNP rs397509238, ClinGen allele CA10591130.